The following is an entry in ClinVar:

NM_001267550.2(TTN):c.34768G>C (p.Glu11590Gln)

Gene: TTN (titin; minus strand). Cytogenetic location: 2q31.2.
Variant type: single nucleotide variant.
Coding change: c.34768G>C on transcript NM_001267550.2 (MANE Select); coding-DNA position 34768, G replaced by C.
Protein change: p.Glu11590Gln; replaces glutamic acid 11590 with glutamine.
Molecular consequence: missense variant. On other transcripts: intron variant (3).
Genome position (GRCh38, 1-based): chr2:178,673,651, C>G on the plus strand (G>C on the coding strand, the complement: TTN is on the minus strand). VCF-style: chr2-178673651-C-G. GRCh37 (hg19) VCF-style: chr2-179538378-C-G.
Other names: c.33646G>C, p.Glu11216Gln (NM_001256850.1); c.30865G>C, p.Glu10289Gln (NM_133378.4); c.13283-31334G>C (NM_003319.4); c.13859-31334G>C (NM_133437.4); c.13658-31334G>C (NM_133432.3); short protein forms E11216Q, E10289Q, E11590Q.
Identifiers: ClinVar variation 893915 (VCV000893915.6), dbSNP rs764974634, ClinGen allele CA1997987.
Genomic context (GRCh38, chr2:178,673,651, plus strand): 5'-TAATGGGAAGTTAAAGATATTAATAATGAGGATTTGATATACCTTTAGCTGGTGGTGCCT[C>G]CACTTTTTTAGGAACAGGAGTAGGTGCTTCAGGTACTGCTTTCTTAATCACTTCAGGCAC-3'
Protein context (NP_001254479.2, residues 11580-11600): EAPTPVPKKV[Glu11590Gln]APPAKVSKKI

ClinVar aggregate classification (germline): Conflicting classifications of pathogenicity. Review status: criteria provided, conflicting classifications (1 of 4 stars). 6 submissions from 2 submitters: Uncertain significance (4); Benign (2). Last evaluated 2024-12-05.

Conditions:
Tibial muscular dystrophy (TMD). Also called: Tibial muscular dystrophy, tardive; UDD MYOPATHY; Udd Distal Myopathy – Tibial Muscular Dystrophy. Identifiers: Orphanet 609, MedGen C1838244, MONDO:0010870, OMIM 600334.
Early-onset myopathy with fatal cardiomyopathy (CMYO5). Also called: CONGENITAL MYOPATHY 5 WITH CARDIOMYOPATHY; Salih Myopathy. Identifiers: Orphanet 289377, MedGen C2673677, MONDO:0012714, OMIM 611705. Disease mechanism: loss of function.
Myopathy, myofibrillar, 9, with early respiratory failure (MFM9). Also called: EDSTROM MYOPATHY; MYOPATHY, PROXIMAL, WITH EARLY RESPIRATORY MUSCLE INVOLVEMENT; Myopathy, distal, with early respiratory failure, autosomal dominant; Hereditary myopathy with early respiratory failure. Identifiers: Orphanet 178464, Orphanet 34521, MedGen C1863599, MONDO:0011362, OMIM 603689.
Autosomal recessive limb-girdle muscular dystrophy type 2J (LGMDR10). Also called: Limb-girdle muscular dystrophy, type 2J; MUSCULAR DYSTROPHY, LIMB-GIRDLE, AUTOSOMAL RECESSIVE 10. Identifiers: Orphanet 140922, MedGen C1837342, MONDO:0012127, OMIM 608807.
Dilated cardiomyopathy 1G (CMD1G). Identifiers: Orphanet 154, MedGen C1858763, MONDO:0011400, OMIM 604145.

Allele frequency attached by ClinVar (database versions not stated): gnomAD below 0.00001 and 0.00002; TOPMed below 0.00001; gnomAD exomes 0.00003 and 0.00007; ExAC 0.00008.
gnomAD v4.1: 49 of 1,594,176 alleles (0.0031%); highest among the groups gnomAD compares: South Asian, 0.053%; 1 homozygote.

Submissions (6):

Revvity Omics, Revvity
Classification: Uncertain significance. Last evaluated: 2024-12-05. Review status: criteria provided, single submitter. Criteria: ACMG Guidelines, 2015. Collection method: clinical testing. Allele origin: germline.

Illumina Laboratory Services, Illumina
Classification: Uncertain significance for Early-onset myopathy with fatal cardiomyopathy. Last evaluated: 2018-01-13. Review status: criteria provided, single submitter. Criteria: ICSL Variant Classification Criteria 13 December 2019. Collection method: clinical testing. Allele origin: germline.

Illumina Laboratory Services, Illumina
Classification: Benign for Myopathy, myofibrillar, 9, with early respiratory failure. Last evaluated: 2018-01-13. Review status: criteria provided, single submitter. Criteria: ICSL Variant Classification Criteria 13 December 2019. Collection method: clinical testing. Allele origin: germline.
Comment: This variant was observed in the ICSL laboratory as part of a predisposition screen in an ostensibly healthy population. It had not been previously curated by ICSL or reported in the Human Gene Mutation Database (HGMD: prior to June 1st, 2018), and was therefore a candidate for classification through an automated scoring system. Utilizing variant allele frequency, disease prevalence and penetrance estimates, and inheritance mode, an automated score was calculated to assess if this variant is too frequent to cause the disease. Based on the score and internal cut-off values, a variant classified as benign is not then subjected to further curation. The score for this variant resulted in a classification of benign for this disease.

Illumina Laboratory Services, Illumina
Classification: Uncertain significance for Autosomal recessive limb-girdle muscular dystrophy type 2J. Last evaluated: 2018-01-13. Review status: criteria provided, single submitter. Criteria: ICSL Variant Classification Criteria 13 December 2019. Collection method: clinical testing. Allele origin: germline.

Illumina Laboratory Services, Illumina
Classification: Uncertain significance for Dilated cardiomyopathy 1G. Last evaluated: 2018-01-13. Review status: criteria provided, single submitter. Criteria: ICSL Variant Classification Criteria 13 December 2019. Collection method: clinical testing. Allele origin: germline.

Illumina Laboratory Services, Illumina
Classification: Benign for Tibial muscular dystrophy. Last evaluated: 2018-01-13. Review status: criteria provided, single submitter. Criteria: ICSL Variant Classification Criteria 13 December 2019. Collection method: clinical testing. Allele origin: germline.
Comment: the same text as in the submission from Illumina Laboratory Services, Illumina above.